The following is an entry in ClinVar:

ClinVar aggregate classification (germline): Uncertain significance (1 of 4 stars; one submission).

Allele frequency attached by ClinVar (database versions not stated): gnomAD exomes below 0.00001; gnomAD 0.00001; TOPMed 0.00002.
gnomAD v4.1: 4 of 1,598,148 alleles (0.00025%); highest among the groups gnomAD compares: African/African-American, 0.0027%; no homozygotes.

Submission:

Labcorp Genetics (formerly Invitae), Labcorp
Classification: Uncertain significance. Last evaluated: 2021-08-04. Review status: criteria provided, single submitter. Criteria: Invitae Variant Classification Sherloc (09022015). Collection method: clinical testing. Allele origin: germline.
Comment: This sequence change replaces asparagine with aspartic acid at codon 858 of the PLK4 protein (p.Asn858Asp). The asparagine residue is weakly conserved and there is a small physicochemical difference between asparagine and aspartic acid. This variant is not present in population databases (ExAC no frequency). This variant has not been reported in the literature in individuals affected with PLK4-related conditions. Algorithms developed to predict the effect of missense changes on protein structure and function output the following: SIFT: "Tolerated"; PolyPhen-2: "Benign"; Align-GVGD: "Class C0". The aspartic acid amino acid residue is found in multiple mammalian species, which suggests that this missense change does not adversely affect protein function. Algorithms developed to predict the effect of sequence changes on RNA splicing suggest that this variant may create or strengthen a splice site. In summary, the available evidence is currently insufficient to determine the role of this variant in disease. Therefore, it has been classified as a Variant of Uncertain Significance.

NM_014264.5(PLK4):c.2572A>G (p.Asn858Asp)

Gene: PLK4 (polo like kinase 4; plus strand). Cytogenetic location: 4q28.1.
Variant type: single nucleotide variant.
Coding change: c.2572A>G on transcript NM_014264.5 (MANE Select); coding-DNA position 2572, A replaced by G.
Protein change: p.Asn858Asp; replaces asparagine 858 with aspartic acid.
Molecular consequence: missense variant.
Genome position (GRCh38, 1-based): chr4:127,894,962, A>G. VCF-style: chr4-127894962-A-G. GRCh37 (hg19) VCF-style: chr4-128816117-A-G.
Other names: c.2476A>G, p.Asn826Asp (NM_001190799.2); c.2449A>G, p.Asn817Asp (NM_001190801.2); short protein forms N817D, N858D, N826D.
Identifiers: ClinVar variation 1372405 (VCV001372405.3), dbSNP rs1048224535, ClinGen allele CA105642906.
Genomic context (GRCh38, chr4:127,894,962, plus strand): 5'-GCTTATAAAAATGCTGAGGAATAATATCTTCCTGTCCTTTATTCTTTGTAGATGGTTACA[A>G]ATGAAGGACTTGGTCTTACAACTACAGCTTCTGGAACAGACATCTCTTCTAATAGTCTAA-3'
Protein context (NP_055079.3, residues 848-868): APILNPSMVT[Asn858Asp]EGLGLTTTAS